The following is an entry in ClinVar:

ClinVar aggregate classification (germline): Uncertain significance (0 of 4 stars; one submission).

Conditions:
CREBBP-related disorder. Also called: CREBBP-related condition; CREBBP-related disorders.

Submission:

PreventionGenetics, part of Exact Sciences
Classification: Uncertain significance for CREBBP-related condition. Last evaluated: 2024-09-04. Review status: no assertion criteria provided. Collection method: clinical testing. Allele origin: germline.
Comment: The CREBBP c.5546A>G variant is predicted to result in the amino acid substitution p.Lys1849Arg. To our knowledge, this variant has not been reported in the literature or in a large population database, indicating this variant is rare. At this time, the clinical significance of this variant is uncertain due to the absence of conclusive functional and genetic evidence.

NM_004380.3(CREBBP):c.5546A>G (p.Lys1849Arg)

Gene: CREBBP (CREB binding lysine acetyltransferase; minus strand). Cytogenetic location: 16p13.3.
Variant type: single nucleotide variant.
Coding change: c.5546A>G on transcript NM_004380.3 (MANE Select); coding-DNA position 5546, A replaced by G.
Protein change: p.Lys1849Arg; replaces lysine 1849 with arginine.
Molecular consequence: missense variant.
Genome position (GRCh38, 1-based): chr16:3,729,501, T>C on the plus strand (A>G on the coding strand, the complement: CREBBP is on the minus strand). VCF-style: chr16-3729501-T-C. GRCh37 (hg19) VCF-style: chr16-3779502-T-C.
Other names: c.5432A>G, p.Lys1811Arg (NM_001079846.1); short protein forms K1811R, K1849R.
Identifiers: ClinVar variation 3345174 (VCV003345174.1).